The following is an entry in ClinVar:

ClinVar aggregate classification (germline): Benign/Likely benign. Review status: criteria provided, multiple submitters, no conflicts (2 of 4 stars). 4 submissions from 4 submitters: Benign (2); Likely benign (1). 1 of the submissions does not count toward it. Last evaluated 2025-10-09.

Conditions:
TWNK-related disorder. Also called: TWNK-related condition.

Allele frequency attached by ClinVar (database versions not stated): gnomAD exomes 0.00013 and 0.00028; ESP Exome Variant Server 0.00015; gnomAD 0.00015 and 0.00016; TOPMed 0.00015; ExAC 0.00017.

Submissions (4):

Labcorp Genetics (formerly Invitae), Labcorp
Classification: Benign. Last evaluated: 2025-10-09. Review status: criteria provided, single submitter. Criteria: Invitae Variant Classification Sherloc (09022015). Collection method: clinical testing. Allele origin: germline.

Blueprint Genetics
Classification: Likely benign. Last evaluated: 2024-07-31. Review status: criteria provided, single submitter. Criteria: ACMG Guidelines, 2015. Collection method: clinical testing. Allele origin: germline.

GeneDx
Classification: Benign. Last evaluated: 2013-12-11. Review status: criteria provided, single submitter. Criteria: GeneDx Variant Classification (06012015). Collection method: clinical testing. Allele origin: germline. Affected: yes.
Comment: This variant is considered likely benign or benign based on one or more of the following criteria: it is a conservative change, it occurs at a poorly conserved position in the protein, it is predicted to be benign by multiple in silico algorithms, and/or has population frequency not consistent with disease.

PreventionGenetics, part of Exact Sciences
Classification: Likely benign for TWNK-related condition. Last evaluated: 2019-06-05. Review status: no assertion criteria provided. Collection method: clinical testing. Allele origin: germline. Not counted in ClinVar's aggregate classification.
Comment: This variant is classified as likely benign based on ACMG/AMP sequence variant interpretation guidelines (Richards et al. 2015 PMID: 25741868, with internal and published modifications).

NM_021830.5(TWNK):c.1734+17G>A

Gene: TWNK (twinkle mtDNA helicase; plus strand). Cytogenetic location: 10q24.31.
Variant type: single nucleotide variant.
Coding change: c.1734+17G>A on transcript NM_021830.5 (MANE Select); 17 bases into the intron after coding-DNA position 1734, G replaced by A.
Molecular consequence: intron variant. On other transcripts: 3 prime UTR variant (2), non-coding transcript variant (3).
Genome position (GRCh38, 1-based): chr10:100,991,027, G>A. VCF-style: chr10-100991027-G-A. GRCh37 (hg19) VCF-style: chr10-102750784-G-A.
Other names: c.*2G>A (NM_001163812.2, NM_001163814.2); c.372+17G>A (NM_001163813.2, NM_001368275.1).
Identifiers: ClinVar variation 136592 (VCV000136592.8), dbSNP rs370918187, ClinGen allele CA289760.